The following is an entry in ClinVar:

ClinVar aggregate classification (germline): Uncertain significance (1 of 4 stars; one submission).

Allele frequency attached by ClinVar (database versions not stated): TOPMed below 0.00001.

Submission:

GeneDx
Classification: Uncertain significance. Last evaluated: 2022-05-20. Review status: criteria provided, single submitter. Criteria: GeneDx Variant Classification Process June 2021. Collection method: clinical testing. Allele origin: germline. Affected: yes.
Comment: Not observed in large population cohorts (gnomAD); In silico analysis supports that this variant does not alter splicing; Has not been previously published as pathogenic or benign to our knowledge

NM_001330078.2(NRXN1):c.3365-109928G>C

Gene: NRXN1 (neurexin 1; minus strand). Cytogenetic location: 2p16.3.
Variant type: single nucleotide variant.
Coding change: c.3365-109928G>C on transcript NM_001330078.2 (MANE Select); 109928 bases into the intron before coding-DNA position 3365, G replaced by C.
Molecular consequence: intron variant. On other transcripts: missense variant (4).
Genome position (GRCh38, 1-based): chr2:50,346,898, C>G on the plus strand (G>C on the coding strand, the complement: NRXN1 is on the minus strand). VCF-style: chr2-50346898-C-G. GRCh37 (hg19) VCF-style: chr2-50574036-C-G.
Other names: c.52G>C, p.Gly18Arg (NM_001330091.2, NM_001330092.2, NM_001330097.2 and 1 more transcripts); c.3254-109928G>C (NM_001330096.2, NM_001330087.2); c.3299-109928G>C (NM_001330083.2, NM_001330084.2); c.3284-109928G>C (NM_001330088.2); c.3362-109928G>C (NM_001330093.2); c.3353-109928G>C (NM_001330094.2); c.3314-109928G>C (NM_001330095.2); c.3341-109928G>C (NM_001330082.2, NM_001330077.2); and 3 more; short protein forms G18R.
Identifiers: ClinVar variation 1686768 (VCV001686768.2), dbSNP rs1410419332, ClinGen allele CA346820649.